The following is an entry in ClinVar:

ClinVar aggregate classification (germline): Conflicting classifications of pathogenicity. Review status: criteria provided, conflicting classifications (1 of 4 stars). 4 submissions from 4 submitters: Uncertain significance (2); Likely benign (2). Last evaluated 2025-10-22.

Conditions:
Inborn genetic diseases. Identifiers: MedGen C0950123, MeSH D030342.
Facioscapulohumeral muscular dystrophy 2 (FSHD2). Also called: MUSCULAR DYSTROPHY, FACIOSCAPULOHUMERAL, TYPE 1B; FACIOSCAPULOHUMERAL MUSCULAR DYSTROPHY 2, DIGENIC; FSHD2, DIGENIC. Identifiers: Orphanet 269, MedGen C1834671, MONDO:0008031, OMIM 158901.

Allele frequency attached by ClinVar (database versions not stated): gnomAD 0.00001; TOPMed 0.00002; gnomAD exomes 0.00004; ExAC 0.00005.
gnomAD v4.1: 36 of 1,602,646 alleles (0.0022%); highest among the groups gnomAD compares: South Asian, 0.02%; no homozygotes.

Submissions (4):

Ambry Genetics
Classification: Likely benign for Inborn genetic diseases. Last evaluated: 2025-10-22. Review status: criteria provided, single submitter. Criteria: Ambry Variant Classification Scheme 2023. Collection method: clinical testing. Allele origin: germline.

Labcorp Genetics (formerly Invitae), Labcorp
Classification: Uncertain significance for Facioscapulohumeral muscular dystrophy 2. Last evaluated: 2024-08-31. Review status: criteria provided, single submitter. Criteria: Invitae Variant Classification Sherloc (09022015). Collection method: clinical testing. Allele origin: germline.
Comment: This sequence change replaces isoleucine, which is neutral and non-polar, with valine, which is neutral and non-polar, at codon 1537 of the SMCHD1 protein (p.Ile1537Val). This variant is present in population databases (rs749634060, gnomAD 0.02%). This variant has not been reported in the literature in individuals affected with SMCHD1-related conditions. ClinVar contains an entry for this variant (Variation ID: 962611). Invitae Evidence Modeling of protein sequence and biophysical properties (such as structural, functional, and spatial information, amino acid conservation, physicochemical variation, residue mobility, and thermodynamic stability) indicates that this missense variant is not expected to disrupt SMCHD1 protein function with a negative predictive value of 80%. In summary, the available evidence is currently insufficient to determine the role of this variant in disease. Therefore, it has been classified as a Variant of Uncertain Significance.

Blueprint Genetics
Classification: Likely benign. Last evaluated: 2024-04-29. Review status: criteria provided, single submitter. Criteria: ACMG Guidelines, 2015. Collection method: clinical testing. Allele origin: germline.

GeneDx
Classification: Uncertain significance. Last evaluated: 2024-01-27. Review status: criteria provided, single submitter. Criteria: GeneDx Variant Classification Process June 2021. Collection method: clinical testing. Allele origin: germline. Affected: yes.
Comment: In silico analysis supports that this missense variant does not alter protein structure/function; Has not been previously published as pathogenic or benign to our knowledge

NM_015295.3(SMCHD1):c.4609A>G (p.Ile1537Val)

Gene: SMCHD1 (structural maintenance of chromosomes flexible hinge domain containing 1; plus strand). Cytogenetic location: 18p11.32.
Variant type: single nucleotide variant.
Coding change: c.4609A>G on transcript NM_015295.3 (MANE Select); coding-DNA position 4609, A replaced by G.
Protein change: p.Ile1537Val; replaces isoleucine 1537 with valine.
Molecular consequence: missense variant.
Genome position (GRCh38, 1-based): chr18:2,763,679, A>G. VCF-style: chr18-2763679-A-G. GRCh37 (hg19) VCF-style: chr18-2763677-A-G.
Other names: short protein forms I1537V.
Identifiers: ClinVar variation 962611 (VCV000962611.12), dbSNP rs749634060, ClinGen allele CA8871533.
Genomic context (GRCh38, chr18:2,763,679, plus strand): 5'-TCCATTTTTTGTTTTAAGGATGACTACGACAACCATACTGGAATTGATTTGGTTGGCACT[A>G]TAATAGCCACCATTAAAGGCTCTAATGAGGAAGATACTGATACCCCACTTTTTATTGGGA-3'
Protein context (NP_056110.2, residues 1527-1547): NHTGIDLVGT[Ile1537Val]IATIKGSNEE